The following is an entry in ClinVar:

ClinVar aggregate classification (germline): Uncertain significance (1 of 4 stars; one submission).

Conditions:
Pancreatic adenocarcinoma. Identifiers: MedGen C0281361, MONDO:0006047, HP:0006725.

Submission:

Labcorp Genetics (formerly Invitae), Labcorp
Classification: Uncertain significance for Pancreatic adenocarcinoma. Last evaluated: 2023-05-21. Review status: criteria provided, single submitter. Criteria: Invitae Variant Classification Sherloc (09022015). Collection method: clinical testing. Allele origin: germline.
Comment: In summary, the available evidence is currently insufficient to determine the role of this variant in disease. Therefore, it has been classified as a Variant of Uncertain Significance. An algorithm developed to predict the effect of missense changes on protein structure and function (PolyPhen-2) suggests that this variant is likely to be tolerated. This variant has not been reported in the literature in individuals affected with PALLD-related conditions. This variant is not present in population databases (gnomAD no frequency). This sequence change replaces glutamine, which is neutral and polar, with leucine, which is neutral and non-polar, at codon 13 of the PALLD protein (p.Gln13Leu).

NM_001166108.2(PALLD):c.1965-12993A>T

Gene: PALLD (palladin, cytoskeletal associated protein; plus strand). Cytogenetic location: 4q32.3.
Variant type: single nucleotide variant.
Coding change: c.1965-12993A>T on transcript NM_001166108.2 (MANE Select); 12993 bases into the intron before coding-DNA position 1965, A replaced by T.
Molecular consequence: intron variant. On other transcripts: missense variant (1).
Genome position (GRCh38, 1-based): chr4:168,877,929, A>T. VCF-style: chr4-168877929-A-T. GRCh37 (hg19) VCF-style: chr4-169799080-A-T.
Other names: c.38A>T, p.Gln13Leu (NM_001166110.2); c.1965-12993A>T (NM_016081.4); c.819-12993A>T (NM_001166109.2); c.-157-12993A>T (NM_001367570.1, NM_001367568.1, NM_001367567.1 and 1 more transcripts); short protein forms Q13L.
Identifiers: ClinVar variation 2720592 (VCV002720592.3), dbSNP rs1176572401, ClinGen allele CA358794751.